The following is an entry in ClinVar:

ClinVar aggregate classification (germline): Uncertain significance (1 of 4 stars; one submission).

Conditions:
Inborn genetic diseases. Identifiers: MedGen C0950123, MeSH D030342.

gnomAD v4.1: 1 of 1,613,210 alleles (0.000062%); highest among the groups gnomAD compares: East Asian, 0.0022%; no homozygotes.

Submission:

Ambry Genetics
Classification: Uncertain significance for Inborn genetic diseases. Last evaluated: 2025-08-02. Review status: criteria provided, single submitter. Criteria: Ambry Variant Classification Scheme 2023. Collection method: clinical testing. Allele origin: germline.
Comment: The p.S402N variant (also known as c.1205G>A), located in coding exon 10 of the ANKRD26 gene, results from a G to A substitution at nucleotide position 1205. The serine at codon 402 is replaced by asparagine, an amino acid with highly similar properties. This amino acid position is conserved. In addition, this alteration is predicted to be tolerated by in silico analysis. Based on the available evidence, the clinical significance of this variant remains unclear.

NM_014915.3(ANKRD26):c.1205G>A (p.Ser402Asn)

Gene: ANKRD26 (ankyrin repeat domain containing 26; minus strand). Cytogenetic location: 10p12.1.
Variant type: single nucleotide variant.
Coding change: c.1205G>A on transcript NM_014915.3 (MANE Select); coding-DNA position 1205, G replaced by A.
Protein change: p.Ser402Asn; replaces serine 402 with asparagine.
Molecular consequence: missense variant.
Genome position (GRCh38, 1-based): chr10:27,067,159, C>T on the plus strand (G>A on the coding strand, the complement: ANKRD26 is on the minus strand). VCF-style: chr10-27067159-C-T. GRCh37 (hg19) VCF-style: chr10-27356088-C-T.
Other names: c.1205G>A, p.Ser402Asn (NM_001256053.2); short protein forms S402N.
Identifiers: ClinVar variation 4103984 (VCV004103984.1).